The following is an entry in ClinVar:

NM_004415.4(DSP):c.4943A>G (p.Gln1648Arg)

Gene: DSP (desmoplakin; plus strand). Cytogenetic location: 6p24.3.
Variant type: single nucleotide variant.
Coding change: c.4943A>G on transcript NM_004415.4 (MANE Select); coding-DNA position 4943, A replaced by G.
Protein change: p.Gln1648Arg; replaces glutamine 1648 with arginine.
Molecular consequence: missense variant. On other transcripts: intron variant (2).
Genome position (GRCh38, 1-based): chr6:7,581,133, A>G. VCF-style: chr6-7581133-A-G. GRCh37 (hg19) VCF-style: chr6-7581366-A-G.
Other names: p.Q1648R:CAG>CGG; c.4943A>G (LRG_423t1, NM_004415.3); c.4050+893A>G (NM_001319034.2); c.3582+1361A>G (NM_001008844.3); short protein forms Q1648R.
Identifiers: ClinVar variation 199840 (VCV000199840.29), dbSNP rs202232360, ClinGen allele CA004213.
Genomic context (GRCh38, chr6:7,581,133, plus strand): 5'-GGAGTGAGGATGACCTCCGGCAGCAGAGGGACGTGCTGGATGGCCACCTGAGGGAAAAGC[A>G]GAGGACCCAGGAAGAGCTGAGGAGGCTCTCTTCTGAGGTCGAGGCCCTGAGGCGGCAGTT-3'
Protein context (NP_004406.2, residues 1638-1658): DVLDGHLREK[Gln1648Arg]RTQEELRRLS

ClinVar aggregate classification (germline): Conflicting classifications of pathogenicity. Review status: criteria provided, conflicting classifications (1 of 4 stars). 6 submissions from 6 submitters: Uncertain significance (1); Likely benign (5). Last evaluated 2026-01-25.

Conditions:
DSP-related disorder. Also called: DSP-related disorders; DSP-related condition.
Cardiovascular phenotype. Identifiers: MedGen CN230736.
Arrhythmogenic right ventricular dysplasia 8 (ARVD8). Also called: Arrhythmogenic Right Ventricular Dysplasia/Cardiomyopathy 8; ARRHYTHMOGENIC RIGHT VENTRICULAR DYSPLASIA, FAMILIAL, 8; ARRHYTHMOGENIC RIGHT VENTRICULAR CARDIOMYOPATHY 8. Identifiers: MedGen C1843896, MONDO:0011831, OMIM 607450.
Arrhythmogenic cardiomyopathy with wooly hair and keratoderma. Also called: Dilated cardiomyopathy with woolly hair and keratoderma; Arrhythmogenic cardiomyopathy with woolly hair and keratoderma; Carvajal syndrome; PALMOPLANTAR KERATODERMA WITH LEFT VENTRICULAR CARDIOMYOPATHY AND WOOLLY HAIR. Identifiers: Orphanet 65282, MedGen C1854063, MONDO:0011581, OMIM 605676.
Cardiomyopathy (CMYO). Also called: Cardiomyopathies. Identifiers: Orphanet 167848, MedGen C0878544, MONDO:0004994, HP:0001638. Inheritance: Various modes of inheritance.

Allele frequency attached by ClinVar (database versions not stated): gnomAD exomes 0.00005 and 0.00021; gnomAD 0.00007 and 0.00013; TOPMed 0.00014; ExAC 0.00017; 1000 Genomes Project 30x 0.00109; 1000 Genomes Project 0.00120.
gnomAD v4.1: 100 of 1,614,166 alleles (0.0062%); highest among the groups gnomAD compares: East Asian, 0.2%; no homozygotes.

Submissions (6):

Labcorp Genetics (formerly Invitae), Labcorp
Classification: Likely benign for Arrhythmogenic cardiomyopathy with wooly hair and keratoderma; Arrhythmogenic right ventricular dysplasia 8. Last evaluated: 2026-01-25. Review status: criteria provided, single submitter. Criteria: Invitae Variant Classification Sherloc (09022015). Collection method: clinical testing. Allele origin: germline.

PreventionGenetics, part of Exact Sciences
Classification: Likely benign for DSP-related condition. Last evaluated: 2025-02-07. Review status: criteria provided, single submitter. Criteria: ACMG Guidelines, 2015. Collection method: clinical testing. Allele origin: germline.
Comment: This variant is classified as likely benign based on ACMG/AMP sequence variant interpretation guidelines (Richards et al. 2015 PMID: 25741868, with internal and published modifications).

All of Us Research Program, National Institutes of Health
Classification: Likely benign for Arrhythmogenic cardiomyopathy with wooly hair and keratoderma. Last evaluated: 2024-08-30. Review status: criteria provided, single submitter. Criteria: ACMG Guidelines, 2015. Collection method: clinical testing. Allele origin: germline. Inheritance: Autosomal dominant inheritance. Observed: 18 variant alleles, 18 heterozygotes.
Comment: This study involves interpretation of variants in research participants for the purpose of population health screening. Participant phenotype was not available at the time of variant classification. Additional details can be found in publication PMID: 35346344, PMCID: PMC8962531

Ambry Genetics
Classification: Likely benign for Cardiovascular phenotype. Last evaluated: 2019-10-04. Review status: criteria provided, single submitter. Criteria: Ambry Variant Classification Scheme 2023. Collection method: clinical testing. Allele origin: germline.

Color Diagnostics, LLC DBA Color Health
Classification: Likely benign for Cardiomyopathy. Last evaluated: 2018-10-03. Review status: criteria provided, single submitter. Criteria: ACMG Guidelines, 2015. Collection method: clinical testing. Allele origin: germline.

GeneDx
Classification: Uncertain significance. Last evaluated: 2018-05-30. Review status: criteria provided, single submitter. Criteria: GeneDx Variant Classification (06012015). Collection method: clinical testing. Allele origin: germline. Affected: yes.
Comment: The Q1648R variant has been previously reported in four Chinese individuals with ARVC (Bao et al., 2013), and it has been observed in other individuals referred for cardiomyopathy genetic testing at GeneDx. However, the individuals at GeneDx also harbored variants in other genes, and thus far, no informative segregation data are available for the published cases or the cases observed at GeneDx. Additionally, this variant has been collectively identified in 3/1454 (0.21%) alleles from ostensibly healthy individuals (Kapplinger et al., 2011; Bao et al., 2013), and has been observed in 50/18852 (0.27%) alleles from individuals of East Asian ancestry in large population cohorts (Lek et al., 2016). Furthermore, in-silico analyses, including protein predictors and evolutionary conservation, support that this variant does not alter protein structure/function. Nevertheless, Q1648R is a semi-conservative amino acid substitution, which may impact secondary protein structure as these residues differ in some properties.

Literature cited by the submitters: PubMed 24125834 (cited by Ambry Genetics).